The following is an entry in ClinVar:

NM_003380.5(VIM):c.1141C>T (p.Arg381Cys)

Gene: VIM (vimentin; plus strand). Cytogenetic location: 10p13.
Variant type: single nucleotide variant.
Coding change: c.1141C>T on transcript NM_003380.5 (MANE Select); coding-DNA position 1141, C replaced by T.
Protein change: p.Arg381Cys; replaces arginine 381 with cysteine.
Molecular consequence: missense variant.
Genome position (GRCh38, 1-based): chr10:17,235,301, C>T. VCF-style: chr10-17235301-C-T. GRCh37 (hg19) VCF-style: chr10-17277300-C-T.
Other names: short protein forms R381C.
Identifiers: ClinVar variation 930366 (VCV000930366.3), dbSNP rs749084801, ClinGen allele CA5426688.
Genomic context (GRCh38, chr10:17,235,301, plus strand): 5'-ACTATTGGCCGCCTGCAGGATGAGATTCAGAATATGAAGGAGGAAATGGCTCGTCACCTT[C>T]GTGAATACCAAGACCTGCTCAATGTTAAGATGGCCCTTGACATTGAGATTGCCACCTACA-3'
Protein context (NP_003371.2, residues 371-391): NMKEEMARHL[Arg381Cys]EYQDLLNVKM

ClinVar aggregate classification (germline): Uncertain significance (1 of 4 stars; one submission).

Conditions:
Cataract 30 (CTRCT30). Also called: CATARACT 30, PULVERULENT. Identifiers: Orphanet 91492, Orphanet 98984, Orphanet 98992, MedGen C3805411, MONDO:0007286, OMIM 116300.

Allele frequency attached by ClinVar (database versions not stated): TOPMed 0.00002 and 0.00003; gnomAD 0.00002; gnomAD exomes 0.00003; ExAC 0.00002.
gnomAD v4.1: 45 of 1,614,074 alleles (0.0028%); highest among the groups gnomAD compares: Admixed American, 0.0033%; no homozygotes.

Submission:

Centre for Mendelian Genomics, University Medical Centre Ljubljana
Classification: Uncertain significance for Cataract 30. Last evaluated: 2019-03-28. Review status: criteria provided, single submitter. Criteria: ACMG Guidelines, 2015. Collection method: clinical testing. Allele origin: unknown. Affected: yes.
Comment: This variant was classified as: Uncertain significance. The available evidence on this variant's pathogenicity is insufficient or conflicting. The following ACMG criteria were applied in classifying this variant: PP3.